The following is an entry in ClinVar:

NM_000038.6(APC):c.8398G>T (p.Ala2800Ser)

Gene: APC (APC regulator of Wnt signaling pathway; plus strand). Cytogenetic location: 5q22.2.
Variant type: single nucleotide variant.
Coding change: c.8398G>T on transcript NM_000038.6 (MANE Select); coding-DNA position 8398, G replaced by T.
Protein change: p.Ala2800Ser; replaces alanine 2800 with serine.
Molecular consequence: missense variant.
Genome position (GRCh38, 1-based): chr5:112,843,992, G>T. VCF-style: chr5-112843992-G-T. GRCh37 (hg19) VCF-style: chr5-112179689-G-T.
Other names: c.8398G>T, p.Ala2800Ser (NM_001127510.3, NM_001354895.2); c.8344G>T, p.Ala2782Ser (NM_001127511.3); c.8452G>T, p.Ala2818Ser (NM_001354896.2); c.8428G>T, p.Ala2810Ser (NM_001354897.2); c.8323G>T, p.Ala2775Ser (NM_001354898.2); c.8314G>T, p.Ala2772Ser (NM_001354899.2); c.8275G>T, p.Ala2759Ser (NM_001354900.2); c.8221G>T, p.Ala2741Ser (NM_001354901.2); and 5 more; short protein forms A2782S, A2800S, A2699S, A2759S, A2772S, A2775S, A2674S, A2818S.
Identifiers: ClinVar variation 537490 (VCV000537490.15), dbSNP rs1554089100, ClinGen allele CA16039560.
Genomic context (GRCh38, chr5:112,843,992, plus strand): 5'-AGAGTGACTCCTTTTAATTACAACCCAAGCCCTAGGAAAAGCAGCGCAGATAGCACTTCA[G>T]CTCGGCCATCTCAGATCCCAACTCCAGTGAATAACAACACAAAGAAGCGAGATTCCAAAA-3'
Protein context (NP_000029.2, residues 2790-2810): PRKSSADSTS[Ala2800Ser]RPSQIPTPVN

ClinVar aggregate classification (germline): Uncertain significance. Review status: criteria provided, multiple submitters, no conflicts (2 of 4 stars). 3 submissions from 3 submitters: Uncertain significance (3). Last evaluated 2024-10-07.

Conditions:
Hereditary cancer-predisposing syndrome. Also called: Tumor predisposition; Hereditary Cancer Syndrome; Hereditary neoplastic syndrome; Neoplastic Syndromes, Hereditary. Identifiers: Orphanet 140162, MedGen C0027672, MeSH D009386, MONDO:0015356.
Familial adenomatous polyposis 1 (FAP1). Also called: FAMILIAL ADENOMATOUS POLYPOSIS 1, ATTENUATED; POLYPOSIS, ADENOMATOUS INTESTINAL. Identifiers: MedGen C2713442, MONDO:0021056, OMIM 175100. Disease mechanism: loss of function.

Submissions (3):

Labcorp Genetics (formerly Invitae), Labcorp
Classification: Uncertain significance for Familial adenomatous polyposis 1. Last evaluated: 2024-10-07. Review status: criteria provided, single submitter. Criteria: Invitae Variant Classification Sherloc (09022015). Collection method: clinical testing. Allele origin: germline.
Comment: This sequence change replaces alanine, which is neutral and non-polar, with serine, which is neutral and polar, at codon 2800 of the APC protein (p.Ala2800Ser). This variant is not present in population databases (gnomAD no frequency). This variant has not been reported in the literature in individuals affected with APC-related conditions. ClinVar contains an entry for this variant (Variation ID: 537490). Invitae Evidence Modeling of protein sequence and biophysical properties (such as structural, functional, and spatial information, amino acid conservation, physicochemical variation, residue mobility, and thermodynamic stability) indicates that this missense variant is not expected to disrupt APC protein function with a negative predictive value of 95%. In summary, the available evidence is currently insufficient to determine the role of this variant in disease. Therefore, it has been classified as a Variant of Uncertain Significance.

Ambry Genetics
Classification: Uncertain significance for Hereditary cancer-predisposing syndrome. Last evaluated: 2023-12-11. Review status: criteria provided, single submitter. Criteria: Ambry Variant Classification Scheme 2023. Collection method: clinical testing. Allele origin: germline.
Comment: The p.A2800S variant (also known as c.8398G>T), located in coding exon 15 of the APC gene, results from a G to T substitution at nucleotide position 8398. The alanine at codon 2800 is replaced by serine, an amino acid with similar properties. This amino acid position is well conserved in available vertebrate species. In addition, in silico predictors for this gene do not accurately predict pathogenicity. Since supporting evidence is limited at this time, the clinical significance of this alteration remains unclear.

Mendelics
Classification: Uncertain significance. Last evaluated: 2022-05-04. Review status: criteria provided, single submitter. Criteria: Mendelics Assertion Criteria 2019. Collection method: clinical testing. Allele origin: germline.